The following is an entry in ClinVar:

ClinVar aggregate classification (germline): Uncertain significance. Review status: criteria provided, multiple submitters, no conflicts (2 of 4 stars). 2 submissions from 2 submitters: Uncertain significance (2). Last evaluated 2026-01-14.

Conditions:
Polycystic kidney disease, adult type (PKD1). Also called: Polycystic Kidney Disease 1, Autosomal Dominant; Polycystic kidney disease 1; Polycystic kidney disease 1, severe; Polycystic Kidney, Autosomal Dominant; POLYCYSTIC KIDNEY DISEASE 1 WITH OR WITHOUT POLYCYSTIC LIVER DISEASE; POLYCYSTIC KIDNEY DISEASE, ADULT, TYPE I. Identifiers: MedGen C3149841, MONDO:0008263, OMIM 173900.

Submissions (2):

3billion
Classification: Uncertain significance for Polycystic kidney disease, adult type. Last evaluated: 2026-01-14. Review status: criteria provided, single submitter. Criteria: ACMG Guidelines, 2015. Collection method: clinical testing. Allele origin: germline. Affected: yes.
Comment: The variant is not observed in the gnomAD v4.1.0 dataset. Predicted Consequence/Location: Missense variant In silico tool predictions suggest damaging effect of the variant on gene or gene product [REVEL: 0.74 (>=0.6, sensitivity 0.68 and specificity 0.92)]. The same nucleotide change resulting in the same amino acid change has been previously reported to be associated with PKD1-related disorder (PMID: 37509056). A different missense change at the same codon (p.Leu3197Pro) has been reported to be associated with PKD1-related disorder (PMID: 33437033). However the evidence of pathogenicity is insufficient at this time. Therefore, this variant is classified as VUS according to the recommendation of ACMG/AMP guideline.

GeneDx
Classification: Uncertain significance. Last evaluated: 2025-03-03. Review status: criteria provided, single submitter. Criteria: GeneDx Variant Classification Process June 2021. Collection method: clinical testing. Allele origin: germline. Affected: yes.
Comment: Not observed at significant frequency in large population cohorts (gnomAD); In silico analysis supports that this missense variant has a deleterious effect on protein structure/function; This variant is associated with the following publications: (PMID: 37509056)

Literature cited by the submitters: PubMed 37509056 (cited by 3billion); PubMed 33437033 (cited by 3billion).

NM_001009944.3(PKD1):c.9590T>G (p.Leu3197Arg)

Gene: PKD1 (polycystin 1, transient receptor potential channel interacting; minus strand). Cytogenetic location: 16p13.3.
Variant type: single nucleotide variant.
Coding change: c.9590T>G on transcript NM_001009944.3 (MANE Select); coding-DNA position 9590, T replaced by G.
Protein change: p.Leu3197Arg; replaces leucine 3197 with arginine.
Molecular consequence: missense variant.
Genome position (GRCh38, 1-based): chr16:2,100,288, A>C on the plus strand (T>G on the coding strand, the complement: PKD1 is on the minus strand). VCF-style: chr16-2100288-A-C. GRCh37 (hg19) VCF-style: chr16-2150289-A-C.
Other names: c.9590T>G, p.Leu3197Arg (NM_000296.4); short protein forms L3197R.
Identifiers: ClinVar variation 4082629 (VCV004082629.2).